The following is an entry in ClinVar:

ClinVar aggregate classification (germline): Likely benign (1 of 4 stars; one submission).

Conditions:
Malignant hyperthermia, susceptibility to, 1 (MHS1). Also called: Anesthesia related hyperthermia; Malignant hyperpyrexia; Fulminating hyperpyrexia; Pharmacogenic myopathy; RYR1-Related Malignant Hyperthermia Susceptibility; Malignant hyperthermia suceptibility 1. Identifiers: Orphanet 423, MedGen C2930980, MONDO:0007783, OMIM 145600.

Allele frequency attached by ClinVar (database versions not stated): gnomAD exomes below 0.00001.
gnomAD v4.1: 1 of 1,608,932 alleles (0.000062%); highest among the groups gnomAD compares: Non-Finnish European, 0.000085%; no homozygotes.

Submission:

All of Us Research Program, National Institutes of Health
Classification: Likely benign for Malignant hyperthermia, susceptibility to, 1. Last evaluated: 2023-12-13. Review status: criteria provided, single submitter. Criteria: ACMG Guidelines, 2015. Collection method: clinical testing. Allele origin: germline. Inheritance: Autosomal dominant inheritance. Observed: 1 variant allele, 1 heterozygote.
Comment: This study involves interpretation of variants in research participants for the purpose of population health screening. Participant phenotype was not available at the time of variant classification. Additional details can be found in publication PMID: 35346344, PMCID: PMC8962531

NM_000540.3(RYR1):c.13660-13T>C

Gene: RYR1 (ryanodine receptor 1; plus strand). Cytogenetic location: 19q13.2.
Variant type: single nucleotide variant.
Coding change: c.13660-13T>C on transcript NM_000540.3 (MANE Select); 13 bases into the intron before coding-DNA position 13660, T replaced by C.
Molecular consequence: intron variant.
Genome position (GRCh38, 1-based): chr19:38,570,594, T>C. VCF-style: chr19-38570594-T-C. GRCh37 (hg19) VCF-style: chr19-39061234-T-C.
Other names: c.13645-13T>C (NM_001042723.2).
Identifiers: ClinVar variation 3074974 (VCV003074974.1), dbSNP rs2514706662, ClinGen allele CA2584909941.
Genomic context (GRCh38, chr19:38,570,594, plus strand): 5'-AAATGATGGGATGAATTCTCCAGGGAAGAGGCTGATCTGTGAGCGCTTTCTCTCTTTTTC[T>C]CTTCTCTCTCAGAACTACCTGTCCCGGAACTTTTACACCCTGCGGTTCCTTGCCCTCTTC-3'